The following is an entry in ClinVar:

ClinVar aggregate classification (germline): Uncertain significance (1 of 4 stars; one submission).

Submission:

GeneDx
Classification: Uncertain significance. Last evaluated: 2026-04-21. Review status: criteria provided, single submitter. Criteria: GeneDx Variant Classification Process June 2021. Collection method: clinical testing. Allele origin: germline.
Comment: Not observed at significant frequency in large population cohorts (gnomAD); In silico analysis suggests that this missense variant does not alter protein structure/function; Has not been previously published as pathogenic or benign to our knowledge

NM_004789.4(LHX2):c.1099C>G (p.Leu367Val)

Gene: LHX2 (LIM homeobox 2; plus strand). Cytogenetic location: 9q33.3.
Variant type: single nucleotide variant.
Coding change: c.1099C>G on transcript NM_004789.4 (MANE Select); coding-DNA position 1099, C replaced by G.
Protein change: p.Leu367Val; replaces leucine 367 with valine.
Molecular consequence: missense variant.
Genome position (GRCh38, 1-based): chr9:124,032,585, C>G. VCF-style: chr9-124032585-C-G. GRCh37 (hg19) VCF-style: chr9-126794864-C-G.
Other names: short protein forms L367V.
Identifiers: ClinVar variation 5037536 (VCV005037536.1).